The following is an entry in ClinVar:

NM_000535.7(PMS2):c.179A>G (p.Asp60Gly)

Gene: PMS2 (PMS1 homolog 2, mismatch repair system component; minus strand). Cytogenetic location: 7p22.1.
Variant type: single nucleotide variant.
Coding change: c.179A>G on transcript NM_000535.7 (MANE Select); coding-DNA position 179, A replaced by G.
Protein change: p.Asp60Gly; replaces aspartic acid 60 with glycine.
Molecular consequence: missense variant. On other transcripts: 5 prime UTR variant (11), non-coding transcript variant (1).
Genome position (GRCh38, 1-based): chr7:6,004,043, T>C on the plus strand (A>G on the coding strand, the complement: PMS2 is on the minus strand). VCF-style: chr7-6004043-T-C. GRCh37 (hg19) VCF-style: chr7-6043674-T-C.
Other names: c.-227A>G (NM_001322003.2, NM_001322004.2, NM_001322005.2 and 3 more transcripts); c.179A>G, p.Asp60Gly (NM_001322006.2, NM_001322014.2); c.-37A>G (NM_001322007.2, NM_001322008.2); c.-706A>G (NM_001322011.2, NM_001322012.2); c.-306A>G (NM_001322015.2); c.179A>G (NM_000535.5, NM_000535.6); short protein forms D60G.
Identifiers: ClinVar variation 1360794 (VCV001360794.11), dbSNP rs771348650, ClinGen allele CA045579.
Genomic context (GRCh38, chr7:6,004,043, plus strand): 5'-AAGTTTTCTTCTTCTACCCCACATCCATTGTCTGAAACTTCAATAAGATCCACTCCATAG[T>C]CCTTAAGCTTTAGATCTAGAAAGTTTAAAATATTTACATATTTATTAAAAACGGACCCAT-3'
Protein context (NP_000526.2, residues 50-70): GATNIDLKLK[Asp60Gly]YGVDLIEVSD

ClinVar aggregate classification (germline): Uncertain significance. Review status: criteria provided, multiple submitters, no conflicts (2 of 4 stars). 4 submissions from 4 submitters: Uncertain significance (4). Last evaluated 2025-07-13.

Conditions:
Hereditary nonpolyposis colorectal neoplasms. Identifiers: MedGen C0009405, MeSH D003123.
Hereditary cancer-predisposing syndrome. Also called: Tumor predisposition; Hereditary neoplastic syndrome; Neoplastic Syndromes, Hereditary; Hereditary Cancer Syndrome. Identifiers: Orphanet 140162, MedGen C0027672, MeSH D009386, MONDO:0015356.

Allele frequency attached by ClinVar (database versions not stated): gnomAD exomes below 0.00001; ExAC 0.00001.
gnomAD v4.1: 1 of 1,585,468 alleles (0.000063%); no homozygotes.

Submissions (4):

Ambry Genetics
Classification: Uncertain significance for Hereditary cancer-predisposing syndrome. Last evaluated: 2025-07-13. Review status: criteria provided, single submitter. Criteria: Ambry Variant Classification Scheme 2023. Collection method: clinical testing. Allele origin: germline.
Comment: The p.D60G variant (also known as c.179A>G), located in coding exon 3 of the PMS2 gene, results from an A to G substitution at nucleotide position 179. The aspartic acid at codon 60 is replaced by glycine, an amino acid with similar properties. This amino acid position is conserved. In addition, the in silico prediction for this alteration is inconclusive. Based on the available evidence, the clinical significance of this variant remains unclear.

Quest Diagnostics Nichols Institute San Juan Capistrano
Classification: Uncertain significance. Last evaluated: 2025-02-12. Review status: criteria provided, single submitter. Criteria: Quest Diagnostics criteria. Collection method: clinical testing. Allele origin: unknown.
Comment: The PMS2 c.179A>G (p.Asp60Gly) variant has been reported in the published literature in an individual with breast cancer (PMID: 33471991 (2021), see also LOVD). The frequency of this variant in the general population (Genome Aggregation Database) is uninformative in the assessment of its pathogenicity. Analysis of this variant using bioinformatics tools for the prediction of the effect of amino acid changes on protein structure and function yielded predictions that this variant is damaging. Based on the available information, we are unable to determine the clinical significance of this variant.

Labcorp Genetics (formerly Invitae), Labcorp
Classification: Uncertain significance for Hereditary nonpolyposis colorectal neoplasms. Last evaluated: 2024-01-21. Review status: criteria provided, single submitter. Criteria: Invitae Variant Classification Sherloc (09022015). Collection method: clinical testing. Allele origin: germline.
Comment: This sequence change replaces aspartic acid, which is acidic and polar, with glycine, which is neutral and non-polar, at codon 60 of the PMS2 protein (p.Asp60Gly). This variant is present in population databases (rs771348650, gnomAD 0.01%). This variant has not been reported in the literature in individuals affected with PMS2-related conditions. ClinVar contains an entry for this variant (Variation ID: 1360794). Advanced modeling of protein sequence and biophysical properties (such as structural, functional, and spatial information, amino acid conservation, physicochemical variation, residue mobility, and thermodynamic stability) performed at Invitae indicates that this missense variant is expected to disrupt PMS2 protein function with a positive predictive value of 80%. In summary, the available evidence is currently insufficient to determine the role of this variant in disease. Therefore, it has been classified as a Variant of Uncertain Significance.

Color Diagnostics, LLC DBA Color Health
Classification: Uncertain significance for Hereditary cancer-predisposing syndrome. Last evaluated: 2023-06-20. Review status: criteria provided, single submitter. Criteria: ACMG Guidelines, 2015. Collection method: clinical testing. Allele origin: germline.
Comment: This missense variant replaces aspartic acid with glycine at codon 60 of the PMS2 protein. Computational prediction suggests that this variant may have deleterious impact on protein structure and function (internally defined REVEL score threshold >= 0.7, PMID: 27666373). To our knowledge, functional studies have not been reported for this variant. This variant has not been reported in individuals affected with PMS2-related disorders in the literature. This variant has been identified in 1/250074 chromosomes in the general population by the Genome Aggregation Database (gnomAD). The available evidence is insufficient to determine the role of this variant in disease conclusively. Therefore, this variant is classified as a Variant of Uncertain Significance.

Literature cited by the submitters: PubMed 33471991 (cited by Quest Diagnostics Nichols Institute San Juan Capistrano).